The following is an entry in ClinVar:

NM_007126.5(VCP):c.446G>A (p.Gly149Glu)

Gene: VCP (valosin containing protein; minus strand). Cytogenetic location: 9p13.3.
Variant type: single nucleotide variant.
Coding change: c.446G>A on transcript NM_007126.5 (MANE Select); coding-DNA position 446, G replaced by A.
Protein change: p.Gly149Glu; replaces glycine 149 with glutamic acid.
Molecular consequence: missense variant.
Genome position (GRCh38, 1-based): chr9:35,065,381, C>T on the plus strand (G>A on the coding strand, the complement: VCP is on the minus strand). VCF-style: chr9-35065381-C-T. GRCh37 (hg19) VCF-style: chr9-35065378-C-T.
Other names: c.311G>A, p.Gly104Glu (NM_001354927.2, NM_001354928.2); short protein forms G104E, G149E.
Identifiers: ClinVar variation 3572746 (VCV003572746.2).
Genomic context (GRCh38, chr9:35,065,381, plus strand): 5'-TCTGTTTCCACCACTTTGAACTCCACAGCACGCATCCCACCACGGACAAGAAAAATGTCT[C>T]CTGCGAGAGCAAACAGTACAAGCACAGTTAGAGGTGTCAACTACAAGACAAAGTGAGAAC-3'
Protein context (NP_009057.1, residues 139-159): FLEAYRPIRK[Gly149Glu]DIFLVRGGMR

ClinVar aggregate classification (germline): Uncertain significance (1 of 4 stars; one submission).

Submission:

GeneDx
Classification: Uncertain significance. Last evaluated: 2025-12-04. Review status: criteria provided, single submitter. Criteria: GeneDx Variant Classification Process June 2021. Collection method: clinical testing. Allele origin: germline.
Comment: Not observed at significant frequency in large population cohorts (gnomAD); In silico analysis supports that this missense variant has a deleterious effect on protein structure/function; In silico analysis suggests this variant may impact gene splicing. In the absence of RNA/functional studies, the actual effect of this sequence change is unknown.; Has not been previously published as pathogenic or benign to our knowledge